The following is an entry in ClinVar:

ClinVar aggregate classification (germline): Uncertain significance (1 of 4 stars; one submission).

Conditions:
Hereditary pancreatitis (PCTT). Also called: Hereditary chronic pancreatitis; PRSS1-Related Hereditary Pancreatitis. Identifiers: Orphanet 676, MedGen C0238339, MONDO:0008185, OMIM 167800.

Submission:

Ambry Genetics
Classification: Uncertain significance for Hereditary pancreatitis. Last evaluated: 2026-06-02. Review status: criteria provided, single submitter. Criteria: Ambry Variant Classification Scheme 2023. Collection method: clinical testing. Allele origin: germline.
Comment: The p.P56T variant (also known as c.166C>A), located in coding exon 3 of the CPA1 gene, results from a C to A substitution at nucleotide position 166. The proline at codon 56 is replaced by threonine, an amino acid with highly similar properties. This amino acid position is conserved. In addition, this alteration is predicted to be tolerated by in silico analysis. Based on the available evidence, the clinical significance of this variant remains unclear.

NM_001868.4(CPA1):c.166C>A (p.Pro56Thr)

Gene: CPA1 (carboxypeptidase A1; plus strand). Cytogenetic location: 7q32.2.
Variant type: single nucleotide variant.
Coding change: c.166C>A on transcript NM_001868.4 (MANE Select); coding-DNA position 166, C replaced by A.
Protein change: p.Pro56Thr; replaces proline 56 with threonine.
Molecular consequence: missense variant.
Genome position (GRCh38, 1-based): chr7:130,381,648, C>A. VCF-style: chr7-130381648-C-A. GRCh37 (hg19) VCF-style: chr7-130021489-C-A.
Other names: short protein forms P56T.
Identifiers: ClinVar variation 4869383 (VCV004869383.1).
Genomic context (GRCh38, chr7:130,381,648, plus strand): 5'-CCCCCAGCCCGCTGTGACCGTGCCGGCTCTTGTCCTCCCCAGCTGGACTTCTGGCGGGGG[C>A]CTGCCCACCCTGGCTCCCCCATCGACGTCCGAGTGCCCTTCCCCAGCATCCAGGCGGTCA-3'
Protein context (NP_001859.1, residues 46-66): EHLQLDFWRG[Pro56Thr]AHPGSPIDVR